The following is an entry in ClinVar:

ClinVar aggregate classification (germline): Uncertain significance (1 of 4 stars; one submission).

Submission:

GeneDx
Classification: Uncertain significance. Last evaluated: 2024-10-13. Review status: criteria provided, single submitter. Criteria: GeneDx Variant Classification Process June 2021. Collection method: clinical testing. Allele origin: germline. Affected: yes.
Comment: Not observed at significant frequency in large population cohorts (gnomAD); In silico analysis supports that this missense variant has a deleterious effect on protein structure/function; Has not been previously published as pathogenic or benign to our knowledge

NM_000834.5(GRIN2B):c.768G>T (p.Trp256Cys)

Gene: GRIN2B (glutamate ionotropic receptor NMDA type subunit 2B; minus strand). Cytogenetic location: 12p13.1.
Variant type: single nucleotide variant.
Coding change: c.768G>T on transcript NM_000834.5 (MANE Select); coding-DNA position 768, G replaced by T.
Protein change: p.Trp256Cys; replaces tryptophan 256 with cysteine.
Molecular consequence: missense variant.
Genome position (GRCh38, 1-based): chr12:13,753,559, C>A on the plus strand (G>T on the coding strand, the complement: GRIN2B is on the minus strand). VCF-style: chr12-13753559-C-A. GRCh37 (hg19) VCF-style: chr12-13906493-C-A.
Other names: c.768G>T, p.Trp256Cys (NM_001413993.1, NM_001413994.1, NM_001413995.1 and 1 more transcripts); short protein forms W256C.
Identifiers: ClinVar variation 3777690 (VCV003777690.1).